The following is an entry in ClinVar:

ClinVar aggregate classification (germline): Uncertain significance (1 of 4 stars; one submission).

Conditions:
Myofibrillar myopathy 3 (MFM3). Also called: Autosomal dominant spheroid body myopathy; Muscular dystrophy, proximal, type 1A. Identifiers: Orphanet 266, Orphanet 268129, MedGen C3714934, MONDO:0012215, OMIM 609200.

Allele frequency attached by ClinVar (database versions not stated): gnomAD exomes below 0.00001.

Submission:

Labcorp Genetics (formerly Invitae), Labcorp
Classification: Uncertain significance for Myofibrillar myopathy 3. Last evaluated: 2025-05-25. Review status: criteria provided, single submitter. Criteria: Invitae Variant Classification Sherloc (09022015). Collection method: clinical testing. Allele origin: germline.
Comment: This sequence change creates a premature translational stop signal (p.Val473Glyfs*6) in the MYOT gene. While this is not anticipated to result in nonsense mediated decay, it is expected to disrupt the last 26 amino acid(s) of the MYOT protein. This variant is not present in population databases (gnomAD no frequency). This variant has not been reported in the literature in individuals affected with MYOT-related conditions. ClinVar contains an entry for this variant (Variation ID: 2124319). Experimental studies and prediction algorithms are not available or were not evaluated, and the functional significance of this variant is currently unknown. Algorithms developed to predict the effect of sequence changes on RNA splicing suggest that this variant may disrupt the consensus splice site. In summary, the available evidence is currently insufficient to determine the role of this variant in disease. Therefore, it has been classified as a Variant of Uncertain Significance.

NM_006790.3(MYOT):c.1417dup (p.Val473fs)

Genes: PKD2L2-DT (PKD2L2 divergent transcript; minus strand), MYOT (myotilin; plus strand). Cytogenetic location: 5q31.2.
Variant type: Duplication.
Coding change: c.1417dup on transcript NM_006790.3 (MANE Select); coding-DNA position 1417, one base duplicated (G; older notation c.1417dupG).
Protein change: p.Val473fs; shifts the reading frame from valine 473.
Molecular consequence: frameshift variant.
Genome position (GRCh38, 1-based): chr5:137,887,305, G duplicated. VCF-style (leftmost placement, unchanged base first): chr5-137887304-T-TG. GRCh37 (hg19) VCF-style: chr5-137222993-T-TG.
Other names: c.865dup, p.Val289fs (NM_001135940.2); c.1072dup, p.Val358fs (NM_001300911.2); short protein forms V289fs, V473fs, V358fs.
Identifiers: ClinVar variation 2124319 (VCV002124319.4), dbSNP rs2532026956, ClinGen allele CA2580072763.